The following is an entry in ClinVar:

NM_000268.4(NF2):c.852G>C (p.Lys284Asn)

Gene: NF2 (NF2, moesin-ezrin-radixin like (MERLIN) tumor suppressor; plus strand). Cytogenetic location: 22q12.2.
Variant type: single nucleotide variant.
Coding change: c.852G>C on transcript NM_000268.4 (MANE Select); coding-DNA position 852, G replaced by C.
Protein change: p.Lys284Asn; replaces lysine 284 with asparagine.
Molecular consequence: missense variant. On other transcripts: non-coding transcript variant (1), intron variant (1).
Genome position (GRCh38, 1-based): chr22:29,665,031, G>C. VCF-style: chr22-29665031-G-C. GRCh37 (hg19) VCF-style: chr22-30061020-G-C.
Other names: c.738G>C, p.Lys246Asn (NM_001407053.1, NM_001407056.1); c.729G>C, p.Lys243Asn (NM_001407054.1, NM_181829.3, NM_001407058.1); c.726G>C, p.Lys242Asn (NM_001407055.1, NM_181828.3); c.852G>C, p.Lys284Asn (NM_001407066.1, NM_016418.5, NM_181825.3 and 2 more transcripts); c.621G>C, p.Lys207Asn (NM_001407067.1); c.603G>C, p.Lys201Asn (NM_181830.3, NM_181831.3, NM_001407063.1 and 1 more transcripts); c.447+22746G>C (NM_181833.3); c.717G>C, p.Lys239Asn (NM_001407057.1, NM_001407059.1); and 2 more; short protein forms K106N, K198N, K201N, K207N, K239N, K242N, K243N, K246N.
Identifiers: ClinVar variation 3387401 (VCV003387401.1).

ClinVar aggregate classification (germline): Uncertain significance (1 of 4 stars; one submission).

Conditions:
Neurofibromatosis, type 2 (SWNV). Also called: NF2-Related Schwannomatosis; BILATERAL ACOUSTIC NEUROFIBROMATOSIS; SCHWANNOMATOSIS, VESTIBULAR. Identifiers: Orphanet 637, MedGen C0027832, MONDO:0007039, OMIM 101000. Disease mechanism: loss of function.

gnomAD v4.1: 1 of 1,613,934 alleles (0.000062%); highest among the groups gnomAD compares: South Asian, 0.0011%; no homozygotes.

Submission:

All of Us Research Program, National Institutes of Health
Classification: Uncertain significance for Neurofibromatosis, type 2. Last evaluated: 2024-07-20. Review status: criteria provided, single submitter. Criteria: ACMG Guidelines, 2015. Collection method: clinical testing. Allele origin: germline. Inheritance: Autosomal dominant inheritance. Observed: 2 variant alleles, 2 heterozygotes.
Comment: This missense variant replaces lysine with asparagine at codon 284 of the NF2 protein. Computational prediction is inconclusive regarding the impact of this variant on protein structure and function (internally defined REVEL score threshold 0.5 < inconclusive < 0.7, PMID: 27666373). To our knowledge, functional studies have not been reported for this variant. This variant has not been reported in individuals affected with NF2-related disorders in the literature. This variant has not been identified in the general population by the Genome Aggregation Database (gnomAD). The available evidence is insufficient to determine the role of this variant in disease conclusively. Therefore, this variant is classified as a Variant of Uncertain Significance.

This study involves interpretation of variants in research participants for the purpose of population health screening. Participant phenotype was not available at the time of variant classification. Additional details can be found in publication PMID: 35346344, PMCID: PMC8962531